The following is an entry in ClinVar:

ClinVar aggregate classification (germline): Likely pathogenic. Review status: criteria provided, multiple submitters, no conflicts (2 of 4 stars). 2 submissions from 2 submitters: Likely pathogenic (2). Last evaluated 2022-01-27.

Conditions:
Hereditary cancer-predisposing syndrome. Also called: Hereditary neoplastic syndrome; Tumor predisposition; Neoplastic Syndromes, Hereditary; Hereditary Cancer Syndrome. Identifiers: Orphanet 140162, MedGen C0027672, MeSH D009386, MONDO:0015356.

gnomAD v4.1: 1 of 1,614,130 alleles (0.000062%); highest among the groups gnomAD compares: Non-Finnish European, 0.000085%; no homozygotes.

Submissions (2):

Labcorp Genetics (formerly Invitae), Labcorp
Classification: Likely pathogenic. Last evaluated: 2022-01-27. Review status: criteria provided, single submitter. Criteria: Invitae Variant Classification Sherloc (09022015). Collection method: clinical testing. Allele origin: germline.
Comment: In summary, the currently available evidence indicates that the variant is pathogenic, but additional data are needed to prove that conclusively. Therefore, this variant has been classified as Likely Pathogenic. Algorithms developed to predict the effect of sequence changes on RNA splicing suggest that this variant may disrupt the consensus splice site. This variant has not been reported in the literature in individuals affected with MSH3-related conditions. This variant is not present in population databases (gnomAD no frequency). This sequence change affects a donor splice site in intron 2 of the MSH3 gene. It is expected to disrupt RNA splicing. Variants that disrupt the donor or acceptor splice site typically lead to a loss of protein function (PMID: 16199547), and loss-of-function variants in MSH3 are known to be pathogenic (PMID: 27476653).

Ambry Genetics
Classification: Likely pathogenic for Hereditary cancer-predisposing syndrome. Last evaluated: 2020-10-16. Review status: criteria provided, single submitter. Criteria: Ambry Variant Classification Scheme 2023. Collection method: clinical testing. Allele origin: germline.
Comment: The c.358+1G>A intronic variant results from a G to A substitution one nucleotide after coding exon 2 of the MSH3 gene. This variant was not reported in population-based cohorts in the Genome Aggregation Database (gnomAD). In silico splice site analysis predicts that this alteration will weaken the native splice donor site. Alterations that disrupt the canonical splice site are expected to cause aberrant splicing, resulting in an abnormal protein or a transcript that is subject to nonsense-mediated mRNA decay. As such, this alteration is classified as likely pathogenic.

Literature cited by the submitters: PubMed 16199547 (cited by Labcorp Genetics (formerly Invitae), Labcorp); PubMed 27476653 (cited by Labcorp Genetics (formerly Invitae), Labcorp).

NM_002439.5(MSH3):c.358+1G>A

Gene: MSH3 (mutS homolog 3; plus strand). Cytogenetic location: 5q14.1.
Variant type: single nucleotide variant.
Coding change: c.358+1G>A on transcript NM_002439.5 (MANE Select); the canonical splice donor site of the intron after coding-DNA position 358, G replaced by A.
Molecular consequence: splice donor variant.
Genome position (GRCh38, 1-based): chr5:80,656,532, G>A. VCF-style: chr5-80656532-G-A. GRCh37 (hg19) VCF-style: chr5-79952351-G-A.
Identifiers: ClinVar variation 1349088 (VCV001349088.10), dbSNP rs2112801912, ClinGen allele CA360266631.